The following is an entry in ClinVar:

ClinVar aggregate classification (germline): Uncertain significance (1 of 4 stars; one submission).

Submission:

Labcorp Genetics (formerly Invitae), Labcorp
Classification: Uncertain significance. Last evaluated: 2022-04-03. Review status: criteria provided, single submitter. Criteria: Invitae Variant Classification Sherloc (09022015). Collection method: clinical testing. Allele origin: germline.
Comment: Algorithms developed to predict the effect of missense changes on protein structure and function (SIFT, PolyPhen-2, Align-GVGD) all suggest that this variant is likely to be disruptive. This variant has not been reported in the literature in individuals affected with TCF12-related conditions. This variant is not present in population databases (gnomAD no frequency). This sequence change replaces phenylalanine, which is neutral and non-polar, with cysteine, which is neutral and slightly polar, at codon 621 of the TCF12 protein (p.Phe621Cys). In summary, the available evidence is currently insufficient to determine the role of this variant in disease. Therefore, it has been classified as a Variant of Uncertain Significance.

NM_207037.2(TCF12):c.1862T>G (p.Phe621Cys)

Gene: TCF12 (transcription factor 12; plus strand). Cytogenetic location: 15q21.3.
Variant type: single nucleotide variant.
Coding change: c.1862T>G on transcript NM_207037.2 (MANE Select); coding-DNA position 1862, T replaced by G.
Protein change: p.Phe621Cys; replaces phenylalanine 621 with cysteine.
Molecular consequence: missense variant.
Genome position (GRCh38, 1-based): chr15:57,273,146, T>G. VCF-style: chr15-57273146-T-G. GRCh37 (hg19) VCF-style: chr15-57565344-T-G.
Other names: c.1352T>G, p.Phe451Cys (NM_001306219.3); c.1082T>G, p.Phe361Cys (NM_001306220.3); c.1862T>G, p.Phe621Cys (NM_001322151.2, NM_207036.2, NM_001322159.3 and 1 more transcripts); c.1790T>G, p.Phe597Cys (NM_003205.4, NM_207038.2, NM_001322157.3 and 1 more transcripts); c.1280T>G, p.Phe427Cys (NM_207040.2); c.1859T>G, p.Phe620Cys (NM_001322152.2, NM_001322161.2); c.1205T>G, p.Phe402Cys (NM_001322154.2); c.1688T>G, p.Phe563Cys (NM_001322156.2); and 2 more; short protein forms F361C, F402C, F563C, F609C, F451C, F620C, F427C, F539C.
Identifiers: ClinVar variation 2120934 (VCV002120934.4), dbSNP rs2551501277, ClinGen allele CA392592720.